The following is an entry in ClinVar:

NM_021072.4(HCN1):c.1783+602T>C

Gene: HCN1 (hyperpolarization activated cyclic nucleotide gated potassium channel 1; minus strand). Cytogenetic location: 5p12.
Variant type: single nucleotide variant.
Coding change: c.1783+602T>C on transcript NM_021072.4 (MANE Select); 602 bases into the intron after coding-DNA position 1783, T replaced by C.
Molecular consequence: intron variant.
Genome position (GRCh38, 1-based): chr5:45,266,487, A>G on the plus strand (T>C on the coding strand, the complement: HCN1 is on the minus strand). VCF-style: chr5-45266487-A-G. GRCh37 (hg19) VCF-style: chr5-45266589-A-G.
Identifiers: ClinVar variation 3256856 (VCV003256856.2).

ClinVar aggregate classification (germline): Benign (1 of 4 stars; one submission).

gnomAD v4.1: 51,986 of 152,054 alleles (34%); highest among the groups gnomAD compares: Non-Finnish European, 46%; 11,141 homozygotes.

Submission:

Unidad de Genómica Garrahan, Hospital de Pediatría Garrahan
Classification: Benign. Last evaluated: 2024-07-31. Review status: criteria provided, single submitter. Criteria: ACMG Guidelines, 2015. Collection method: clinical testing. Allele origin: germline. Affected: no. Observed: 68 variant alleles.
Comment: This variant is classified as Benign based on local population frequency. This variant was detected in 73% of patients studied in a panel designed for Epileptic and Developmental Encephalopathy, Progressive Myoclonus Epilepsy and Abnormal Movements and Neurodegeneration with brain iron accumulation. Number of patients: 68. Only high quality variants are reported.